The following is an entry in ClinVar:

NM_000059.4(BRCA2):c.5436del (p.Glu1812fs)

Gene: BRCA2 (BRCA2 DNA repair associated; plus strand). Cytogenetic location: 13q13.1.
Variant type: Deletion.
Coding change: c.5436del on transcript NM_000059.4 (MANE Select); coding-DNA position 5436, one base deleted (A; older notation c.5436delA).
Protein change: p.Glu1812fs; shifts the reading frame from glutamic acid 1812.
Molecular consequence: frameshift variant.
Genome position (GRCh38, 1-based): chr13:32,339,791, A deleted; the last of 2 consecutive A bases (chr13:32,339,790-32,339,791); deleting either gives the same sequence. VCF-style (leftmost placement, unchanged base first): chr13-32339789-GA-G. GRCh37 (hg19) VCF-style: chr13-32913926-GA-G.
Other names: 5664delA; c.5436delA (NM_000059.3); short protein forms E1812fs.
Identifiers: ClinVar variation 37965 (VCV000037965.11), dbSNP rs397507351, ClinGen allele CA022325.

ClinVar aggregate classification (germline): Pathogenic. Review status: reviewed by expert panel (3 of 4 stars). 4 submissions from 4 submitters: Pathogenic (1). 3 of the submissions do not count toward it. Last evaluated 2016-09-08.

Conditions:
Hereditary cancer-predisposing syndrome. Also called: Tumor predisposition; Neoplastic Syndromes, Hereditary; Hereditary neoplastic syndrome; Hereditary Cancer Syndrome. Identifiers: Orphanet 140162, MedGen C0027672, MeSH D009386, MONDO:0015356.
Hereditary breast ovarian cancer syndrome. Also called: Hereditary breast and ovarian cancer; Hereditary breast and ovarian cancer syndrome (HBOC); Hereditary breast and/or ovarian cancer syndrome; Breast and ovarian cancer; Hereditary breast and ovarian cancer syndrome; BRCA1- and BRCA2-Associated Hereditary Breast and Ovarian Cancer. Identifiers: Orphanet 145, MedGen C0677776, MeSH D061325, MONDO:0003582. Disease mechanism: loss of function.
Breast-ovarian cancer, familial, susceptibility to, 2 (BROVCA2). Also called: BRCA2 Hereditary Breast and Ovarian Cancer. Identifiers: Orphanet 145, MedGen C2675520, MONDO:0012933, OMIM 612555. Disease mechanism: loss of function.

Submissions (4):

Evidence-based Network for the Interpretation of Germline Mutant Alleles (ENIGMA)
Classification: Pathogenic for Breast-ovarian cancer, familial, susceptibility to, 2. Last evaluated: 2016-09-08. Review status: reviewed by expert panel. Criteria: ENIGMA BRCA1/2 Classification Criteria (2015). Collection method: curation. Allele origin: germline.
Comment: Variant allele predicted to encode a truncated non-functional protein.

Labcorp Genetics (formerly Invitae), Labcorp
Classification: Pathogenic for Hereditary breast ovarian cancer syndrome. Last evaluated: 2023-10-17. Review status: criteria provided, single submitter. Criteria: Invitae Variant Classification Sherloc (09022015). Collection method: clinical testing. Allele origin: germline. Not counted in ClinVar's aggregate classification.
Comment: This sequence change creates a premature translational stop signal (p.Glu1812Aspfs*3) in the BRCA2 gene. It is expected to result in an absent or disrupted protein product. Loss-of-function variants in BRCA2 are known to be pathogenic (PMID: 20104584). This variant is not present in population databases (gnomAD no frequency). This premature translational stop signal has been observed in individual(s) with BRCA2-related conditions (PMID: 21520333). ClinVar contains an entry for this variant (Variation ID: 37965). For these reasons, this variant has been classified as Pathogenic.

Ambry Genetics
Classification: Pathogenic for Hereditary cancer-predisposing syndrome. Last evaluated: 2022-11-17. Review status: criteria provided, single submitter. Criteria: Ambry Variant Classification Scheme 2023. Collection method: clinical testing. Allele origin: germline. Not counted in ClinVar's aggregate classification.
Comment: The c.5436delA pathogenic mutation, located in coding exon 10 of the BRCA2 gene, results from a deletion of one nucleotide at nucleotide position 5436, causing a translational frameshift with a predicted alternate stop codon (p.E1812Dfs*3). This variant is considered to be rare based on population cohorts in the Genome Aggregation Database (gnomAD). This alteration is expected to result in loss of function by premature protein truncation or nonsense-mediated mRNA decay. As such, this alteration is interpreted as a disease-causing mutation.

Sharing Clinical Reports Project (SCRP)
Classification: Pathogenic for Breast-ovarian cancer, familial 2. Last evaluated: 2011-11-18. Review status: no assertion criteria provided. Collection method: clinical testing. Allele origin: germline. Not counted in ClinVar's aggregate classification.

Literature cited by the submitters: PubMed 20104584 (cited by Labcorp Genetics (formerly Invitae), Labcorp); PubMed 21520333 (cited by Labcorp Genetics (formerly Invitae), Labcorp).